The following is an entry in ClinVar:

ClinVar aggregate classification (germline): Likely pathogenic (1 of 4 stars; one submission).

Conditions:
Mucolipidosis type II. Also called: Mucolipidosis II Alpha/Beta; Mucolipidosis 2; ML 2; Inclusion cell disease; Leroy Disease; N-acetylglucosamine 1phosphotransferase deficiency. Identifiers: Orphanet 576, MedGen C2673377, MONDO:0009650, OMIM 252500.
Pseudo-Hurler polydystrophy. Also called: MUCOLIPIDOSIS IIIA; Type III Mucolipidosis; ML III; ML III ALPHA/BETA; ML IIIA; Mucolipidosis III Alpha/Beta. Identifiers: Orphanet 423461, Orphanet 577, MedGen C0033788, MONDO:0018931, OMIM 252600.

Submission:

Juno Genomics, Hangzhou Juno Genomics, Inc
Classification: Likely pathogenic for Mucolipidosis type II; Pseudo-Hurler polydystrophy. Review status: criteria provided, single submitter. Criteria: ACMG Guidelines, 2015. Collection method: clinical testing. Allele origin: germline.
Comment: Null variant in a gene where loss of function (LOF) is a known mechanism of disease.;Absent from controls (or at extremely low frequency if recessive) in Genome Aggregation Database.

NM_024312.5(GNPTAB):c.1363del (p.Ala455fs)

Gene: GNPTAB (N-acetylglucosamine-1-phosphate transferase subunits alpha and beta; minus strand). Cytogenetic location: 12q23.2.
Variant type: Deletion.
Coding change: c.1363del on transcript NM_024312.5 (MANE Select); coding-DNA position 1363, one base deleted (G; older notation c.1363delG).
Protein change: p.Ala455fs; shifts the reading frame from alanine 455.
Molecular consequence: frameshift variant.
Genome position (GRCh38, 1-based): chr12:101,768,082, C deleted on the plus strand (G on the coding strand, the reverse complement: GNPTAB is on the minus strand); the first of 2 consecutive C bases (chr12:101,768,082-101,768,083); deleting either gives the same sequence. VCF-style (leftmost placement, unchanged base first): chr12-101768081-GC-G. GRCh37 (hg19) VCF-style: chr12-102161859-GC-G.
Other names: short protein forms A455fs.
Identifiers: ClinVar variation 5005019 (VCV005005019.2).
Genomic context (GRCh38, chr12:101,768,081, plus strand): 5'-TTTAACACATCCTTACCAGAGCAATCCCCACCATCCCAATCGCAGGCTGAATTATTACAA[GC>G]CTTGTCACAATAGCCATCCTTAATCCAGGAACCTGGGCAGCCCTCGGCACAGTTTGGCAC-3'